The following is an entry in ClinVar:

NM_002772.3(TMPRSS15):c.1727T>C (p.Ile576Thr)

Gene: TMPRSS15 (transmembrane serine protease 15; minus strand). Cytogenetic location: 21q21.1.
Variant type: single nucleotide variant.
Coding change: c.1727T>C on transcript NM_002772.3 (MANE Select); coding-DNA position 1727, T replaced by C.
Protein change: p.Ile576Thr; replaces isoleucine 576 with threonine.
Molecular consequence: missense variant.
Genome position (GRCh38, 1-based): chr21:18,329,222, A>G on the plus strand (T>C on the coding strand, the complement: TMPRSS15 is on the minus strand). VCF-style: chr21-18329222-A-G. GRCh37 (hg19) VCF-style: chr21-19701539-A-G.
Other names: short protein forms I576T.
Identifiers: ClinVar variation 1984140 (VCV001984140.3), dbSNP rs144951297, ClinGen allele CA9984337.

ClinVar aggregate classification (germline): Uncertain significance (1 of 4 stars; one submission).

Allele frequency attached by ClinVar (database versions not stated): ExAC 0.00001; gnomAD 0.00001; gnomAD exomes 0.00001; TOPMed 0.00002; ESP Exome Variant Server 0.00008.
gnomAD v4.1: 18 of 1,612,654 alleles (0.0011%); highest among the groups gnomAD compares: Admixed American, 0.0017%; no homozygotes.

Submission:

Labcorp Genetics (formerly Invitae), Labcorp
Classification: Uncertain significance. Last evaluated: 2023-02-15. Review status: criteria provided, single submitter. Criteria: Invitae Variant Classification Sherloc (09022015). Collection method: clinical testing. Allele origin: germline.
Comment: In summary, the available evidence is currently insufficient to determine the role of this variant in disease. Therefore, it has been classified as a Variant of Uncertain Significance. An algorithm developed to predict the effect of missense changes on protein structure and function (PolyPhen-2) suggests that this variant¬† is likely to be tolerated. This variant has not been reported in the literature in individuals affected with TMPRSS15-related conditions. This variant is present in population databases (rs144951297, gnomAD 0.002%). This sequence change replaces isoleucine, which is neutral and non-polar, with threonine, which is neutral and polar, at codon 576 of the TMPRSS15 protein (p.Ile576Thr).